The following is an entry in ClinVar:

NM_000789.4(ACE):c.1064G>A (p.Arg355Gln)

Gene: ACE (angiotensin I converting enzyme; plus strand). Cytogenetic location: 17q23.3.
Variant type: single nucleotide variant.
Coding change: c.1064G>A on transcript NM_000789.4 (MANE Select); coding-DNA position 1064, G replaced by A.
Protein change: p.Arg355Gln; replaces arginine 355 with glutamine.
Molecular consequence: missense variant. On other transcripts: intron variant (1).
Genome position (GRCh38, 1-based): chr17:63,481,684, G>A. VCF-style: chr17-63481684-G-A. GRCh37 (hg19) VCF-style: chr17-61559045-G-A.
Other names: c.1064G>A (NM_000789.3); c.212G>A, p.Arg71Gln (NM_001382701.1); c.472+496G>A (NM_001382700.1); short protein forms R355Q, R71Q.
Identifiers: ClinVar variation 3582455 (VCV003582455.2).

ClinVar aggregate classification (germline): Uncertain significance. Review status: criteria provided, multiple submitters, no conflicts (2 of 4 stars). 2 submissions from 2 submitters: Uncertain significance (2). Last evaluated 2024-06-18.

Conditions:
Renal tubular dysgenesis of genetic origin. Also called: PRIMITIVE RENAL TUBULE SYNDROME. Identifiers: Orphanet 97369, MedGen C5681536, MONDO:0009970, OMIM 267430.
Hemorrhage, intracerebral, susceptibility to (ICH). Also called: Stroke, hemorrhagic, susceptibility to. Identifiers: MedGen C3281105, MONDO:0100533, OMIM 614519.
Microvascular complications of diabetes, susceptibility to, 3. Identifiers: MedGen C2675470, MONDO:0012963, OMIM 612624.

Submissions (2):

Fulgent Genetics
Classification: Uncertain significance for Renal tubular dysgenesis of genetic origin; Microvascular complications of diabetes, susceptibility to, 3; Hemorrhage, intracerebral, susceptibility to. Last evaluated: 2024-06-18. Review status: criteria provided, single submitter. Criteria: ACMG Guidelines, 2015. Collection method: clinical testing. Allele origin: germline.

Johns Hopkins Genomics, Johns Hopkins University
Classification: Uncertain significance for Renal tubular dysgenesis of genetic origin. Last evaluated: 2024-05-16. Review status: criteria provided, single submitter. Criteria: ACMG Guidelines, 2015. Collection method: clinical testing. Allele origin: germline.
Comment: This ACE missense variant (rs761322765) is rare (<0.1%) in a large population dataset4 (gnomAD v4.1.0: 45/1614066 total alleles; 0.003%; no homozygotes). It has not been reported in ClinVar, nor the literature, to our knowledge. Two bioinformatic tools queried predict that this substitution would be damaging, and the arginine residue at this position is evolutionarily conserved across all of the species assessed. We consider the clinical significance of c.1064G>A in ACE to be uncertain at this time.